The following is an entry in ClinVar:

NM_001253697.2(ERBIN):c.180G>T (p.Glu60Asp)

Gene: ERBIN (erbb2 interacting protein; plus strand). Cytogenetic location: 5q12.3.
Variant type: single nucleotide variant.
Coding change: c.180G>T on transcript NM_001253697.2 (MANE Select); coding-DNA position 180, G replaced by T.
Protein change: p.Glu60Asp; replaces glutamic acid 60 with aspartic acid.
Molecular consequence: missense variant.
Genome position (GRCh38, 1-based): chr5:65,992,898, G>T. VCF-style: chr5-65992898-G-T. GRCh37 (hg19) VCF-style: chr5-65288726-G-T.
Other names: c.180G>T, p.Glu60Asp (NM_001006600.3, NM_001253698.2, NM_001253699.2 and 2 more transcripts); short protein forms E60D.
Identifiers: ClinVar variation 2713834 (VCV002713834.3), dbSNP rs186555721, ClinGen allele CA3285833.
Genomic context (GRCh38, chr5:65,992,898, plus strand): 5'-GATTTTTACTTTTGAAAAAACCTTGGAGGAACTCTATTTAGATGCTAATCAGATTGAAGA[G>T]CTTCCAAAGGTATGCTAATACTTTCTTTCAAGAATTATCTTTGGTTATTTTTATATCTAG-3'
Protein context (NP_001240626.1, residues 50-70): ELYLDANQIE[Glu60Asp]LPKQLFNCQS

ClinVar aggregate classification (germline): Uncertain significance (1 of 4 stars; one submission).

Allele frequency attached by ClinVar (database versions not stated): TOPMed 0.00002; ExAC 0.00003; gnomAD 0.00003; gnomAD exomes 0.00006; ESP Exome Variant Server 0.00015; 1000 Genomes Project 30x 0.00016; 1000 Genomes Project 0.00020.
gnomAD v4.1: 90 of 1,585,644 alleles (0.0057%); highest among the groups gnomAD compares: Non-Finnish European, 0.0073%; no homozygotes.

Submission:

Labcorp Genetics (formerly Invitae), Labcorp
Classification: Uncertain significance. Last evaluated: 2025-10-29. Review status: criteria provided, single submitter. Criteria: Invitae Variant Classification Sherloc (09022015). Collection method: clinical testing. Allele origin: germline.
Comment: This sequence change replaces glutamic acid, which is acidic and polar, with aspartic acid, which is acidic and polar, at codon 60 of the ERBIN protein (p.Glu60Asp). This variant is present in population databases (rs186555721, gnomAD 0.006%). This variant has not been reported in the literature in individuals affected with ERBIN-related conditions. ClinVar contains an entry for this variant (Variation ID: 2713834). An algorithm developed to predict the effect of missense changes on protein structure and function (PolyPhen-2) suggests that this variant is likely to be disruptive. In summary, the available evidence is currently insufficient to determine the role of this variant in disease. Therefore, it has been classified as a Variant of Uncertain Significance.